The following is an entry in ClinVar:

NM_021098.3(CACNA1H):c.5372T>A (p.Phe1791Tyr)

Gene: CACNA1H (calcium voltage-gated channel subunit alpha1 H; plus strand). Cytogenetic location: 16p13.3.
Variant type: single nucleotide variant.
Coding change: c.5372T>A on transcript NM_021098.3 (MANE Select); coding-DNA position 5372, T replaced by A.
Protein change: p.Phe1791Tyr; replaces phenylalanine 1791 with tyrosine.
Molecular consequence: missense variant.
Genome position (GRCh38, 1-based): chr16:1,217,967, T>A. VCF-style: chr16-1217967-T-A. GRCh37 (hg19) VCF-style: chr16-1267967-T-A.
Other names: c.5354T>A, p.Phe1785Tyr (NM_001005407.2); short protein forms F1785Y, F1791Y.
Identifiers: ClinVar variation 1923469 (VCV001923469.5), dbSNP rs2548727290, ClinGen allele CA394147017.
Genomic context (GRCh38, chr16:1,217,967, plus strand): 5'-CCCTCCCCGCAGAGTGCAGTGAAGACAACCCCTGCGAGGGCCTGAGCAGGCACGCCACCT[T>A]CAGCAACTTCGGCATGGCCTTCCTCACGCTGTTCCGCGTGTCCACGGGGGACAACTGGAA-3'
Protein context (NP_066921.2, residues 1781-1801): PCEGLSRHAT[Phe1791Tyr]SNFGMAFLTL

ClinVar aggregate classification (germline): Uncertain significance (1 of 4 stars; one submission).

Conditions:
Idiopathic generalized epilepsy. Also called: Generalised epilepsy; EIG. Identifiers: MedGen C0270850, MONDO:0005579, OMIM 600669.
Hyperaldosteronism, familial, type IV (HALD4). Also called: FH IV; ALDOSTERONISM, PRIMARY, AND HYPERTENSION. Identifiers: Orphanet 642671, MedGen C4310756, MONDO:0014875, OMIM 617027.

Submission:

Labcorp Genetics (formerly Invitae), Labcorp
Classification: Uncertain significance for Idiopathic generalized epilepsy; Hyperaldosteronism, familial, type IV. Last evaluated: 2022-09-10. Review status: criteria provided, single submitter. Criteria: Invitae Variant Classification Sherloc (09022015). Collection method: clinical testing. Allele origin: germline.
Comment: This sequence change replaces phenylalanine, which is neutral and non-polar, with tyrosine, which is neutral and polar, at codon 1791 of the CACNA1H protein (p.Phe1791Tyr). This variant is not present in population databases (gnomAD no frequency). This variant has not been reported in the literature in individuals affected with CACNA1H-related conditions. Advanced modeling of protein sequence and biophysical properties (such as structural, functional, and spatial information, amino acid conservation, physicochemical variation, residue mobility, and thermodynamic stability) performed at Invitae indicates that this missense variant is expected to disrupt CACNA1H protein function. In summary, the available evidence is currently insufficient to determine the role of this variant in disease. Therefore, it has been classified as a Variant of Uncertain Significance.